The following is an entry in ClinVar:

NM_000245.4(MET):c.1918A>C (p.Ile640Leu)

Gene: MET (MET proto-oncogene, receptor tyrosine kinase; plus strand). Cytogenetic location: 7q31.2.
Variant type: single nucleotide variant.
Coding change: c.1918A>C on transcript NM_000245.4 (MANE Select); coding-DNA position 1918, A replaced by C.
Protein change: p.Ile640Leu; replaces isoleucine 640 with leucine.
Molecular consequence: missense variant.
Genome position (GRCh38, 1-based): chr7:116,757,492, A>C. VCF-style: chr7-116757492-A-C. GRCh37 (hg19) VCF-style: chr7-116397546-A-C.
Other names: c.1918A>C, p.Ile640Leu (NM_001127500.3, NM_001324401.3); c.628A>C, p.Ile210Leu (NM_001324402.2); short protein forms I210L, I640L.
Identifiers: ClinVar variation 3395192 (VCV003395192.1).

ClinVar aggregate classification (germline): Uncertain significance (1 of 4 stars; one submission).

Conditions:
Hereditary cancer-predisposing syndrome. Also called: Hereditary Cancer Syndrome; Tumor predisposition; Hereditary neoplastic syndrome; Neoplastic Syndromes, Hereditary. Identifiers: Orphanet 140162, MedGen C0027672, MeSH D009386, MONDO:0015356.

Submission:

Ambry Genetics
Classification: Uncertain significance for Hereditary cancer-predisposing syndrome. Last evaluated: 2024-11-08. Review status: criteria provided, single submitter. Criteria: Ambry Variant Classification Scheme 2023. Collection method: clinical testing. Allele origin: germline.
Comment: The p.I640L variant (also known as c.1918A>C), located in coding exon 6 of the MET gene, results from an A to C substitution at nucleotide position 1918. The isoleucine at codon 640 is replaced by leucine, an amino acid with highly similar properties. This amino acid position is conserved. In addition, this alteration is predicted to be tolerated by in silico analysis. Based on the available evidence, the clinical significance of this variant remains unclear.